The following is an entry in ClinVar:

ClinVar aggregate classification (germline): Uncertain significance (1 of 4 stars; one submission).

Submission:

Labcorp Genetics (formerly Invitae), Labcorp
Classification: Uncertain significance. Last evaluated: 2023-10-13. Review status: criteria provided, single submitter. Criteria: Invitae Variant Classification Sherloc (09022015). Collection method: clinical testing. Allele origin: germline.
Comment: This sequence change replaces threonine, which is neutral and polar, with lysine, which is basic and polar, at codon 3045 of the SZT2 protein (p.Thr3045Lys). This variant is not present in population databases (gnomAD no frequency). This variant has not been reported in the literature in individuals affected with SZT2-related conditions. ClinVar contains an entry for this variant (Variation ID: 2104639). Advanced modeling of protein sequence and biophysical properties (such as structural, functional, and spatial information, amino acid conservation, physicochemical variation, residue mobility, and thermodynamic stability) performed at Invitae indicates that this missense variant is expected to disrupt SZT2 protein function. In summary, the available evidence is currently insufficient to determine the role of this variant in disease. Therefore, it has been classified as a Variant of Uncertain Significance.

NM_001365999.1(SZT2):c.9305C>A (p.Thr3102Lys)

Gene: SZT2 (SZT2 subunit of KICSTOR complex; plus strand). Cytogenetic location: 1p34.2.
Variant type: single nucleotide variant.
Coding change: c.9305C>A on transcript NM_001365999.1 (MANE Select); coding-DNA position 9305, C replaced by A.
Protein change: p.Thr3102Lys; replaces threonine 3102 with lysine.
Molecular consequence: missense variant.
Genome position (GRCh38, 1-based): chr1:43,447,563, C>A. VCF-style: chr1-43447563-C-A. GRCh37 (hg19) VCF-style: chr1-43913234-C-A.
Other names: c.9134C>A, p.Thr3045Lys (NM_015284.4); c.746C>A, p.Thr249Lys (NM_024547.1); short protein forms T249K, T3045K, T3102K.
Identifiers: ClinVar variation 2104639 (VCV002104639.4), dbSNP rs2545867517, ClinGen allele CA340042714.
Genomic context (GRCh38, chr1:43,447,563, plus strand): 5'-CCTAGGCTTAGTGTCTGCTGTCTCCTGTTACTTATCCCTCAGGGACATTGGAGCTCCCCA[C>A]ACCACTCATTGCTGCCCACCAGCTATACAACTACGTGGCTGATCACGCCAGCTCTTACCA-3'
Protein context (NP_001352928.1, residues 3092-3112): HIYQGTLELP[Thr3102Lys]PLIAAHQLYN